The following is an entry in ClinVar:

ClinVar aggregate classification (germline): Likely benign. Review status: criteria provided, multiple submitters, no conflicts (2 of 4 stars). 2 submissions from 2 submitters: Likely benign (2). Last evaluated 2026-04-27.

Conditions:
SPG11-related disorder. Also called: SPG11-related condition.
Hereditary spastic paraplegia 11. Also called: Spastic paraplegia, mental retardation and thin corpus callosum; Spastic Paraplegia 11; SPASTIC PARAPLEGIA, AUTOSOMAL RECESSIVE, COMPLICATED, WITH THIN CORPUS CALLOSUM; SPASTIC PARAPLEGIA, AUTOSOMAL RECESSIVE, WITH MENTAL IMPAIRMENT AND THIN CORPUS CALLOSUM; Nakamura Osame syndrome; Autosomal recessive hereditary spastic paraplegia, mental impairment, and thin corpus callosum. Identifiers: Orphanet 2822, MedGen C1858479, MONDO:0011445, OMIM 604360.

Allele frequency attached by ClinVar (database versions not stated): ExAC 0.00002; gnomAD exomes 0.00002 and 0.00007; TOPMed 0.00004; gnomAD 0.00006; 1000 Genomes Project 30x 0.00016; 1000 Genomes Project 0.00020.
gnomAD v4.1: 106 of 1,613,788 alleles (0.0066%); highest among the groups gnomAD compares: Non-Finnish European, 0.0086%; no homozygotes.

Submissions (2):

PreventionGenetics, part of Exact Sciences
Classification: Likely benign for SPG11-related condition. Last evaluated: 2026-04-27. Review status: criteria provided, single submitter. Criteria: ACMG Guidelines, 2015. Collection method: clinical testing. Allele origin: germline.
Comment: This variant is classified as likely benign based on ACMG/AMP sequence variant interpretation guidelines (Richards et al. 2015 PMID: 25741868, with internal and published modifications).

Labcorp Genetics (formerly Invitae), Labcorp
Classification: Likely benign for Hereditary spastic paraplegia 11. Last evaluated: 2026-01-13. Review status: criteria provided, single submitter. Criteria: Invitae Variant Classification Sherloc (09022015). Collection method: clinical testing. Allele origin: germline.

NM_025137.4(SPG11):c.2484T>C (p.Ser828=)

Gene: SPG11 (SPG11 vesicle trafficking associated, spatacsin; minus strand). Cytogenetic location: 15q21.1.
Variant type: single nucleotide variant.
Coding change: c.2484T>C on transcript NM_025137.4 (MANE Select); coding-DNA position 2484, T replaced by C.
Protein change: p.Ser828=; no amino-acid change (serine 828 retained).
Molecular consequence: synonymous variant.
Genome position (GRCh38, 1-based): chr15:44,621,895, A>G on the plus strand (T>C on the coding strand, the complement: SPG11 is on the minus strand). VCF-style: chr15-44621895-A-G. GRCh37 (hg19) VCF-style: chr15-44914093-A-G.
Other names: c.2484T>C, p.Ser828= (NM_001160227.2).
Identifiers: ClinVar variation 699924 (VCV000699924.12), dbSNP rs199707089, ClinGen allele CA7535228.